The following is an entry in ClinVar:

ClinVar aggregate classification (germline): Conflicting classifications of pathogenicity. Review status: criteria provided, conflicting classifications (1 of 4 stars). 3 submissions from 3 submitters: Uncertain significance (1); Likely benign (2). Last evaluated 2026-09-01.

Conditions:
Fraser syndrome 1 (FRASRS1). Also called: CRYPTOPHTHALMOS WITH OTHER MALFORMATIONS. Identifiers: Orphanet 2052, MedGen C4551480, MONDO:0054737, OMIM 219000.

Allele frequency attached by ClinVar (database versions not stated): ExAC 0.00003; gnomAD exomes 0.00004; gnomAD 0.00006; TOPMed 0.00007; ESP Exome Variant Server 0.00008.
gnomAD v4.1: 145 of 1,613,802 alleles (0.009%); highest among the groups gnomAD compares: Non-Finnish European, 0.011%; no homozygotes.

Submissions (3):

CeGaT Center for Human Genetics Tuebingen
Classification: Likely benign. Last evaluated: 2026-09-01. Review status: criteria provided, single submitter. Criteria: CeGaT Center For Human Genetics Tuebingen Variant Classification Criteria Version 2. Collection method: clinical testing. Allele origin: germline. Affected: yes. Observed: 1 variant allele.
Comment: FRAS1: BP4, BP7

Labcorp Genetics (formerly Invitae), Labcorp
Classification: Likely benign. Last evaluated: 2026-01-22. Review status: criteria provided, single submitter. Criteria: Invitae Variant Classification Sherloc (09022015). Collection method: clinical testing. Allele origin: germline.

Illumina Laboratory Services, Illumina
Classification: Uncertain significance for Fraser syndrome 1. Last evaluated: 2018-01-12. Review status: criteria provided, single submitter. Criteria: ICSL Variant Classification Criteria 13 December 2019. Collection method: clinical testing. Allele origin: germline.

NM_025074.7(FRAS1):c.903G>A (p.Ser301=)

Gene: FRAS1 (Fraser extracellular matrix complex subunit 1; plus strand). Cytogenetic location: 4q21.21.
Variant type: single nucleotide variant.
Coding change: c.903G>A on transcript NM_025074.7 (MANE Select); coding-DNA position 903, G replaced by A.
Protein change: p.Ser301=; no amino-acid change (serine 301 retained).
Molecular consequence: synonymous variant.
Genome position (GRCh38, 1-based): chr4:78,267,354, G>A. VCF-style: chr4-78267354-G-A. GRCh37 (hg19) VCF-style: chr4-79188508-G-A.
Other names: c.903G>A, p.Ser301= (NM_001166133.2).
Identifiers: ClinVar variation 903751 (VCV000903751.8), dbSNP rs373613705, ClinGen allele CA2976114.